The following is an entry in ClinVar:

NM_016938.5(EFEMP2):c.463del (p.Tyr155fs)

Gene: EFEMP2 (EGF-like fibulin extracellular matrix protein 2; minus strand). Cytogenetic location: 11q13.1.
Variant type: Deletion.
Coding change: c.463del on transcript NM_016938.5 (MANE Select); coding-DNA position 463, one base deleted (T; older notation c.463delT).
Protein change: p.Tyr155fs; shifts the reading frame from tyrosine 155.
Molecular consequence: frameshift variant. On other transcripts: non-coding transcript variant (1).
Genome position (GRCh38, 1-based): chr11:65,870,563, A deleted on the plus strand (T on the coding strand, the reverse complement: EFEMP2 is on the minus strand); the first of 2 consecutive A bases (chr11:65,870,563-65,870,564); deleting either gives the same sequence. VCF-style (leftmost placement, unchanged base first): chr11-65870562-TA-T. GRCh37 (hg19) VCF-style: chr11-65638033-TA-T.
Other names: short protein forms Y155fs.
Identifiers: ClinVar variation 4730985 (VCV004730985.1).

ClinVar aggregate classification (germline): Pathogenic (1 of 4 stars; one submission).

Conditions:
Cutis laxa, autosomal recessive, type 1B (ARCL1B). Also called: CUTIS LAXA, AUTOSOMAL RECESSIVE, TYPE IB; EFEMP2-Related Cutis Laxa. Identifiers: Orphanet 90349, MedGen C3280798, MONDO:0013754, OMIM 614437. Disease mechanism: loss of function.

Submission:

Labcorp Genetics (formerly Invitae), Labcorp
Classification: Pathogenic for Cutis laxa, autosomal recessive, type 1B. Last evaluated: 2025-11-11. Review status: criteria provided, single submitter. Criteria: Invitae Variant Classification Sherloc (09022015). Collection method: clinical testing. Allele origin: germline.
Comment: This sequence change creates a premature translational stop signal (p.Tyr155Thrfs*11) in the EFEMP2 gene. It is expected to result in an absent or disrupted protein product. Loss-of-function variants in EFEMP2 are known to be pathogenic (PMID: 17937443). This variant is not present in population databases (gnomAD no frequency). This variant has not been reported in the literature in individuals affected with EFEMP2-related conditions. For these reasons, this variant has been classified as Pathogenic.

Literature cited by the submitters: PubMed 17937443.